The following is an entry in ClinVar:

NM_000785.4(CYP27B1):c.316G>T (p.Glu106Ter)

Gene: CYP27B1 (cytochrome P450 family 27 subfamily B member 1; minus strand). Cytogenetic location: 12q14.1.
Variant type: single nucleotide variant.
Coding change: c.316G>T on transcript NM_000785.4 (MANE Select); coding-DNA position 316, G replaced by T.
Protein change: p.Glu106Ter; replaces glutamic acid 106 with a stop codon.
Molecular consequence: nonsense.
Genome position (GRCh38, 1-based): chr12:57,766,077, C>A on the plus strand (G>T on the coding strand, the complement: CYP27B1 is on the minus strand). VCF-style: chr12-57766077-C-A. GRCh37 (hg19) VCF-style: chr12-58159860-C-A.
Other names: short protein forms E106*.
Identifiers: ClinVar variation 2862843 (VCV002862843.3), dbSNP rs756300813, ClinGen allele CA385507965.

ClinVar aggregate classification (germline): Pathogenic (1 of 4 stars; one submission).

Allele frequency attached by ClinVar (database versions not stated): gnomAD 0.00001.
gnomAD v4.1: 2 of 1,552,022 alleles (0.00013%); highest among the groups gnomAD compares: East Asian, 0.0024%; no homozygotes.

Submission:

Labcorp Genetics (formerly Invitae), Labcorp
Classification: Pathogenic. Last evaluated: 2023-05-09. Review status: criteria provided, single submitter. Criteria: Invitae Variant Classification Sherloc (09022015). Collection method: clinical testing. Allele origin: germline.
Comment: For these reasons, this variant has been classified as Pathogenic. This premature translational stop signal has been observed in individual(s) with clinical features of vitamin D-dependent rickets (PMID: 36321535). This variant is not present in population databases (gnomAD no frequency). This sequence change creates a premature translational stop signal (p.Glu106*) in the CYP27B1 gene. It is expected to result in an absent or disrupted protein product. Loss-of-function variants in CYP27B1 are known to be pathogenic (PMID: 9837822, 17488797).

Literature cited by the submitters: PubMed 36321535; PubMed 9837822; PubMed 17488797.